The following is an entry in ClinVar:

NM_002230.4(JUP):c.2046+22A>G

Gene: JUP (junction plakoglobin; minus strand). Cytogenetic location: 17q21.2.
Variant type: single nucleotide variant.
Coding change: c.2046+22A>G on transcript NM_002230.4 (MANE Select); 22 bases into the intron after coding-DNA position 2046, A replaced by G.
Molecular consequence: intron variant.
Genome position (GRCh38, 1-based): chr17:41,757,393, T>C on the plus strand (A>G on the coding strand, the complement: JUP is on the minus strand). VCF-style: chr17-41757393-T-C. GRCh37 (hg19) VCF-style: chr17-39913645-T-C.
Other names: c.2046+22A>G (NM_002230.3, NM_001352774.2, NM_021991.4 and 4 more transcripts).
Identifiers: ClinVar variation 261475 (VCV000261475.6), dbSNP rs7216034, ClinGen allele CA8565041.

ClinVar aggregate classification (germline): Benign. Review status: criteria provided, multiple submitters, no conflicts (2 of 4 stars). 6 submissions from 5 submitters: Benign (6). Last evaluated 2026-09-21.

Conditions:
Naxos disease (NXD). Also called: KERATOSIS PALMOPLANTARIS WITH ARRHYTHMOGENIC CARDIOMYOPATHY; MAL DE NAXOS; PALMOPLANTAR KERATODERMA WITH ARRHYTHMOGENIC RIGHT VENTRICULAR CARDIOMYOPATHY AND WOOLLY HAIR; WOOLLY HAIR, PALMOPLANTAR KERATODERMA, AND CARDIAC ABNORMALITIES; CARDIOMYOPATHY, ARRHYTHMOGENIC RIGHT VENTRICULAR, WITH SKIN, HAIR, AND NAIL ABNORMALITIES. Identifiers: Orphanet 34217, MedGen C1832600, MONDO:0011017, OMIM 601214.
Arrhythmogenic right ventricular dysplasia 12. Also called: ARRHYTHMOGENIC RIGHT VENTRICULAR DYSPLASIA, FAMILIAL, 12. Identifiers: MedGen C1969081, MONDO:0012684, OMIM 611528.

Allele frequency attached by ClinVar (database versions not stated): 1000 Genomes Project 0.71725; gnomAD 0.77249 and 0.76512; ExAC 0.71000; 1000 Genomes Project 30x 0.72127; TOPMed 0.76298; gnomAD exomes 0.69729 and 0.73756; ESP Exome Variant Server 0.79356.
gnomAD v4.1: 1,193,971 of 1,613,556 alleles (74%); highest among the groups gnomAD compares: African/African-American, 89%; 445,436 homozygotes.

Submissions (6):

Molecular Diagnostic Laboratory for Inherited Cardiovascular Disease, Montreal Heart Institute
Classification: Benign. Last evaluated: 2026-09-21. Review status: criteria provided, single submitter. Criteria: ACMG Guidelines, 2015. Collection method: clinical testing. Allele origin: germline. Affected: no.
Comment: BA1

Genome-Nilou Lab
Classification: Benign for Arrhythmogenic right ventricular dysplasia 12. Last evaluated: 2021-08-19. Review status: criteria provided, single submitter. Criteria: ACMG Guidelines, 2015. Collection method: clinical testing. Allele origin: germline. Affected: no.

Genome-Nilou Lab
Classification: Benign for Naxos disease. Last evaluated: 2021-08-19. Review status: criteria provided, single submitter. Criteria: ACMG Guidelines, 2015. Collection method: clinical testing. Allele origin: germline. Affected: no.

GeneDx
Classification: Benign. Last evaluated: 2018-06-15. Review status: criteria provided, single submitter. Criteria: GeneDx Variant Classification (06012015). Collection method: clinical testing. Allele origin: germline. Affected: yes.
Comment: This variant is considered likely benign or benign based on one or more of the following criteria: it is a conservative change, it occurs at a poorly conserved position in the protein, it is predicted to be benign by multiple in silico algorithms, and/or has population frequency not consistent with disease.

Breakthrough Genomics
Classification: Benign. Review status: criteria provided, single submitter. Criteria: ACMG Guidelines, 2015. Collection method: not provided. Allele origin: germline. Inheritance: Autosomal recessive inheritance. Affected: yes.

PreventionGenetics, part of Exact Sciences
Classification: Benign. Review status: criteria provided, single submitter. Criteria: ACMG Guidelines, 2015. Collection method: clinical testing. Allele origin: germline.